The following is an entry in ClinVar:

NM_000059.4(BRCA2):c.2033_2036del (p.Asn678fs)

Gene: BRCA2 (BRCA2 DNA repair associated; plus strand). Cytogenetic location: 13q13.1.
Variant type: Deletion.
Coding change: c.2033_2036del on transcript NM_000059.4 (MANE Select); coding-DNA positions 2033 to 2036, 4 bases deleted (ATAA; older notation c.2033_2036delATAA).
Protein change: p.Asn678fs; shifts the reading frame from asparagine 678.
Molecular consequence: frameshift variant. On other transcripts: non-coding transcript variant (1), intron variant (2).
Genome position (GRCh38, 1-based): chr13:32,336,388-32,336,391, ATAA deleted; deleting any 4 consecutive bases within chr13:32,336,387-32,336,391 gives the same sequence; the c. name uses the placement nearest the transcript's 3' end. VCF-style (leftmost placement, unchanged base first): chr13-32336386-TAATA-T. GRCh37 (hg19) VCF-style: chr13-32910523-TAATA-T.
Other names: c.2033_2036del, p.Asn678fs (NM_001406719.1, NM_001406720.1); c.1909+3001_1909+3004del (NM_001406721.1); c.424+5358_424+5361del (NM_001406722.1); short protein forms N678fs.
Identifiers: ClinVar variation 2680297 (VCV002680297.3), dbSNP rs2548523025, ClinGen allele CA1139771883.

ClinVar aggregate classification (germline): Pathogenic/Likely pathogenic. Review status: criteria provided, multiple submitters, no conflicts (2 of 4 stars). 2 submissions from 2 submitters: Pathogenic (1); Likely pathogenic (1). Last evaluated 2024-03-20.

Conditions:
Hereditary breast ovarian cancer syndrome. Also called: Hereditary breast and ovarian cancer syndrome; Hereditary breast and ovarian cancer syndrome (HBOC); BRCA1- and BRCA2-Associated Hereditary Breast and Ovarian Cancer; Hereditary breast and ovarian cancer; Breast and ovarian cancer; Hereditary breast and/or ovarian cancer syndrome. Identifiers: Orphanet 145, MedGen C0677776, MeSH D061325, MONDO:0003582. Disease mechanism: loss of function.
Familial cancer of breast. Also called: hereditary breast carcinoma; BREAST CANCER, FAMILIAL; Hereditary breast cancer. Identifiers: Orphanet 227535, MedGen C0346153, MONDO:0016419, OMIM 114480. Disease mechanism: loss of function.

Submissions (2):

Labcorp Genetics (formerly Invitae), Labcorp
Classification: Pathogenic for Hereditary breast ovarian cancer syndrome. Last evaluated: 2024-03-20. Review status: criteria provided, single submitter. Criteria: Invitae Variant Classification Sherloc (09022015). Collection method: clinical testing. Allele origin: germline.
Comment: This sequence change creates a premature translational stop signal (p.Asn678Ilefs*3) in the BRCA2 gene. It is expected to result in an absent or disrupted protein product. Loss-of-function variants in BRCA2 are known to be pathogenic (PMID: 20104584). This variant is not present in population databases (gnomAD no frequency). This variant has not been reported in the literature in individuals affected with BRCA2-related conditions. For these reasons, this variant has been classified as Pathogenic.

Baylor Genetics
Classification: Likely pathogenic for Familial cancer of breast. Last evaluated: 2022-01-06. Review status: criteria provided, single submitter. Criteria: ACMG Guidelines, 2015. Collection method: clinical testing. Allele origin: unknown.

Literature cited by the submitters: PubMed 20104584 (cited by Labcorp Genetics (formerly Invitae), Labcorp).